The following is an entry in ClinVar:

NM_021830.5(TWNK):c.1196A>G (p.Asn399Ser)

Gene: TWNK (twinkle mtDNA helicase; plus strand). Cytogenetic location: 10q24.31.
Variant type: single nucleotide variant.
Coding change: c.1196A>G on transcript NM_021830.5 (MANE Select); coding-DNA position 1196, A replaced by G.
Protein change: p.Asn399Ser; replaces asparagine 399 with serine.
Molecular consequence: missense variant. On other transcripts: non-coding transcript variant (4), intron variant (3).
Genome position (GRCh38, 1-based): chr10:100,989,406, A>G. VCF-style: chr10-100989406-A-G. GRCh37 (hg19) VCF-style: chr10-102749163-A-G.
Other names: c.1196A>G, p.Asn399Ser (NM_001163812.2); c.-119-238A>G (NM_001163814.2, NM_001163813.2); c.-57-300A>G (NM_001368275.1); short protein forms N399S.
Identifiers: ClinVar variation 214185 (VCV000214185.27), dbSNP rs863223921, ClinGen allele CA324207.
Genomic context (GRCh38, chr10:100,989,406, plus strand): 5'-GAGAACTGTCAAATGTGGAGCAAGCAGCTGGCCTCCGCTGGAGCCGCTTTCCAGACCTCA[A>G]TCGTATCTTGAAGGGACATCGAAAGGGCGAGCTGACGGTCTTCACAGGTAACCCTTTGAG-3'
Protein context (NP_068602.2, residues 389-409): GLRWSRFPDL[Asn399Ser]RILKGHRKGE

ClinVar aggregate classification (germline): Conflicting classifications of pathogenicity. Review status: criteria provided, conflicting classifications (1 of 4 stars). 10 submissions from 7 submitters: Pathogenic (2); Likely pathogenic (1); Uncertain significance (6). 1 of the submissions does not count toward it. Last evaluated 2025-09-01.

Conditions:
Perrault syndrome. Also called: Gonadal dysgenesis with auditory dysfunction, autosomal recessive inheritance. Identifiers: Orphanet 2855, MedGen C0685838, MONDO:0017312.
Autosomal recessive cerebellar ataxia. Also called: Spinocerebellar Ataxia, Recessive; Spinocerebellar ataxia, autosomal recessive. Identifiers: Orphanet 1172, MedGen C5575375, MONDO:0015244.
Infantile onset spinocerebellar ataxia (MTDPS7). Also called: Mitochondrial DNA depletion syndrome 7 (hepatocerebral type); OPHTHALMOPLEGIA, HYPOTONIA, ATAXIA, HYPOACUSIS, AND ATHETOSIS; OHAHA SYNDROME; SPINOCEREBELLAR ATAXIA, INFANTILE, WITH SENSORY NEUROPATHY. Identifiers: Orphanet 1186, MedGen C1849096, MONDO:0010060, OMIM 271245.
Progressive external ophthalmoplegia with mitochondrial DNA deletions, autosomal dominant 3. Also called: PROGRESSIVE EXTERNAL OPHTHALMOPLEGIA, AUTOSOMAL DOMINANT 3. Identifiers: MedGen C1836439, MONDO:0012241, OMIM 609286.
Sensory ataxic neuropathy, dysarthria, and ophthalmoparesis (SANDO). Also called: Sensory ataxic neuropathy-dysarthria-ophthalmoparesis syndrome; Ataxia Neuropathy Spectrum (ANS); SENSORY ATAXIC NEUROPATHY WITH MITOCHONDRIAL DNA DELETIONS, AUTOSOMAL RECESSIVE; Epilepsy, progressive myoclonic, type 5. Identifiers: Orphanet 70595, MedGen C1843851, MONDO:0011835, OMIM 607459.

Allele frequency attached by ClinVar (database versions not stated): gnomAD exomes below 0.00001 and 0.00001; gnomAD 0.00001; TOPMed 0.00002.
gnomAD v4.1: 12 of 1,614,020 alleles (0.00074%); highest among the groups gnomAD compares: African/African-American, 0.004%; no homozygotes.

Submissions (10):

CeGaT Center for Human Genetics Tuebingen
Classification: Uncertain significance. Last evaluated: 2025-09-01. Review status: criteria provided, single submitter. Criteria: CeGaT Center For Human Genetics Tuebingen Variant Classification Criteria Version 2. Collection method: clinical testing. Allele origin: germline. Affected: yes. Observed: 1 variant allele.
Comment: TWNK: PM2, PM3:Supporting, PP3

Genomic Medicine Center of Excellence, King Faisal Specialist Hospital and Research Centre
Classification: Uncertain significance for Progressive external ophthalmoplegia with mitochondrial DNA deletions, autosomal dominant 3. Last evaluated: 2024-12-19. Review status: criteria provided, single submitter. Criteria: ACMG Guidelines, 2015. Collection method: clinical testing. Allele origin: germline.

Labcorp Genetics (formerly Invitae), Labcorp
Classification: Pathogenic. Last evaluated: 2024-02-03. Review status: criteria provided, single submitter. Criteria: Invitae Variant Classification Sherloc (09022015). Collection method: clinical testing. Allele origin: germline.
Comment: This sequence change replaces asparagine, which is neutral and polar, with serine, which is neutral and polar, at codon 399 of the TWNK protein (p.Asn399Ser). This variant is present in population databases (no rsID available, gnomAD 0.006%). This missense change has been observed in individual(s) with autosomal recessive TWNK-related conditions (PMID: 26970254, 28178980, 30799093, 31852434). It has also been observed to segregate with disease in related individuals. ClinVar contains an entry for this variant (Variation ID: 214185). Advanced modeling of protein sequence and biophysical properties (such as structural, functional, and spatial information, amino acid conservation, physicochemical variation, residue mobility, and thermodynamic stability) performed at Invitae indicates that this missense variant is expected to disrupt TWNK protein function with a positive predictive value of 80%. For these reasons, this variant has been classified as Pathogenic.

GeneDx
Classification: Likely pathogenic. Last evaluated: 2020-11-25. Review status: criteria provided, single submitter. Criteria: GeneDx Variant Classification Process June 2021. Collection method: clinical testing. Allele origin: germline. Affected: yes.
Comment: Not observed at a significant frequency in large population cohorts (Lek et al., 2016); In silico analysis supports that this missense variant has a deleterious effect on protein structure/function; This variant is associated with the following publications: (PMID: 28178980, 26970254, 26206283, 30799093, 31852434)

Institute of Human Genetics Munich, TUM University Hospital
Classification: Pathogenic for Infantile onset spinocerebellar ataxia. Last evaluated: 2017-09-08. Review status: criteria provided, single submitter. Criteria: Classification criteria August 2017. Collection method: clinical testing. Allele origin: maternal. Inheritance: Autosomal recessive inheritance. Affected: yes. Observed: 1 compound heterozygote.

Illumina Laboratory Services, Illumina
Classification: Uncertain significance for Sensory ataxic neuropathy-dysarthria-ophthalmoparesis syndrome. Last evaluated: 2017-04-27. Review status: criteria provided, single submitter. Criteria: ICSL Variant Classification Criteria 13 December 2019. Collection method: clinical testing. Allele origin: germline.

Illumina Laboratory Services, Illumina
Classification: Uncertain significance for Infantile onset spinocerebellar ataxia. Last evaluated: 2017-04-27. Review status: criteria provided, single submitter. Criteria: ICSL Variant Classification Criteria 13 December 2019. Collection method: clinical testing. Allele origin: germline.
Comment: This variant was observed as part of a predisposition screen in an ostensibly healthy population. A literature search was performed for the gene, cDNA change, and amino acid change (where applicable). Publications were found based on this search. However, the evidence from the literature, in combination with allele frequency data from public databases where available, was not sufficient to rule this variant in or out of causing disease. Therefore, this variant is classified as a variant of unknown significance.

Illumina Laboratory Services, Illumina
Classification: Uncertain significance for Progressive external ophthalmoplegia with mitochondrial DNA deletions, autosomal dominant 3. Last evaluated: 2017-04-27. Review status: criteria provided, single submitter. Criteria: ICSL Variant Classification Criteria 13 December 2019. Collection method: clinical testing. Allele origin: germline.

Illumina Laboratory Services, Illumina
Classification: Uncertain significance for Autosomal recessive cerebellar ataxia. Last evaluated: 2017-04-27. Review status: criteria provided, single submitter. Criteria: ICSL Variant Classification Criteria 13 December 2019. Collection method: clinical testing. Allele origin: germline.

GeneReviews
No classification provided. Condition: Perrault syndrome. Review status: no classification provided. Collection method: literature only. Allele origin: germline. Not counted in ClinVar's aggregate classification.

Literature cited by the submitters: PubMed 26970254 (cited by Labcorp Genetics (formerly Invitae), Labcorp and GeneReviews); PubMed 28178980 (cited by Labcorp Genetics (formerly Invitae), Labcorp and GeneReviews); PubMed 30799093 (cited by Labcorp Genetics (formerly Invitae), Labcorp); PubMed 31852434 (cited by Labcorp Genetics (formerly Invitae), Labcorp); PubMed 26206283 (cited by Illumina Laboratory Services, Illumina); PubMed 29458409 (cited by Illumina Laboratory Services, Illumina).